The following is an entry in ClinVar:

NM_001384125.1(BLTP1):c.793C>T (p.Pro265Ser)

Gene: BLTP1 (bridge-like lipid transfer protein family member 1; plus strand). Cytogenetic location: 4q27.
Variant type: single nucleotide variant.
Coding change: c.793C>T on transcript NM_001384125.1 (MANE Select); coding-DNA position 793, C replaced by T.
Protein change: p.Pro265Ser; replaces proline 265 with serine.
Molecular consequence: missense variant.
Genome position (GRCh38, 1-based): chr4:122,188,060, C>T. VCF-style: chr4-122188060-C-T. GRCh37 (hg19) VCF-style: chr4-123109215-C-T.
Other names: c.793C>T, p.Pro265Ser (NM_015312.4); short protein forms P265S.
Identifiers: ClinVar variation 1307905 (VCV001307905.3), dbSNP rs754477649, ClinGen allele CA3065443.

ClinVar aggregate classification (germline): Uncertain significance. Review status: criteria provided, multiple submitters, no conflicts (2 of 4 stars). 2 submissions from 2 submitters: Uncertain significance (2). Last evaluated 2023-11-03.

Allele frequency attached by ClinVar (database versions not stated): ExAC 0.00001; gnomAD exomes 0.00001; gnomAD 0.00003 and 0.00005; TOPMed 0.00015.
gnomAD v4.1: 14 of 1,532,060 alleles (0.00091%); highest among the groups gnomAD compares: Admixed American, 0.017%; no homozygotes.

Submissions (2):

Ambry Genetics
Classification: Uncertain significance. Last evaluated: 2023-11-03. Review status: criteria provided, single submitter. Criteria: Ambry Variant Classification Scheme 2023. Collection method: clinical testing. Allele origin: germline.

GeneDx
Classification: Uncertain significance. Last evaluated: 2019-08-19. Review status: criteria provided, single submitter. Criteria: GeneDx Variant Classification Process June 2021. Collection method: clinical testing. Allele origin: germline. Affected: yes.
Comment: In silico analysis, which includes protein predictors and evolutionary conservation, supports a deleterious effect; Has not been previously published as pathogenic or benign to our knowledge